The following is an entry in ClinVar:

ClinVar aggregate classification (germline): Uncertain significance (1 of 4 stars; one submission).

Conditions:
Combined immunodeficiency due to OX40 deficiency. Also called: Immunodeficiency 16; OX40 DEFICIENCY. Identifiers: Orphanet 431149, MedGen C3810053, MONDO:0014268, OMIM 615593.

Allele frequency attached by ClinVar (database versions not stated): gnomAD exomes below 0.00001.
gnomAD v4.1: 1 of 1,589,258 alleles (0.000063%); highest among the groups gnomAD compares: Non-Finnish European, 0.000085%; no homozygotes.

Submission:

Labcorp Genetics (formerly Invitae), Labcorp
Classification: Uncertain significance for Combined immunodeficiency due to OX40 deficiency. Last evaluated: 2022-09-01. Review status: criteria provided, single submitter. Criteria: Invitae Variant Classification Sherloc (09022015). Collection method: clinical testing. Allele origin: germline.
Comment: In summary, the available evidence is currently insufficient to determine the role of this variant in disease. Therefore, it has been classified as a Variant of Uncertain Significance. Algorithms developed to predict the effect of missense changes on protein structure and function are either unavailable or do not agree on the potential impact of this missense change (SIFT: "Tolerated"; PolyPhen-2: "Not Available"; Align-GVGD: "Class C0"). ClinVar contains an entry for this variant (Variation ID: 1385033). This variant has not been reported in the literature in individuals affected with TNFRSF4-related conditions. This variant is not present in population databases (gnomAD no frequency). This sequence change replaces alanine, which is neutral and non-polar, with threonine, which is neutral and polar, at codon 14 of the TNFRSF4 protein (p.Ala14Thr).

NM_003327.4(TNFRSF4):c.40G>A (p.Ala14Thr)

Gene: TNFRSF4 (TNF receptor superfamily member 4; minus strand). Cytogenetic location: 1p36.33.
Variant type: single nucleotide variant.
Coding change: c.40G>A on transcript NM_003327.4 (MANE Select); coding-DNA position 40, G replaced by A.
Protein change: p.Ala14Thr; replaces alanine 14 with threonine.
Molecular consequence: missense variant.
Genome position (GRCh38, 1-based): chr1:1,214,088, C>T on the plus strand (G>A on the coding strand, the complement: TNFRSF4 is on the minus strand). VCF-style: chr1-1214088-C-T. GRCh37 (hg19) VCF-style: chr1-1149468-C-T.
Other names: short protein forms A14T.
Identifiers: ClinVar variation 1385033 (VCV001385033.6), dbSNP rs2100956904, ClinGen allele CA337803155.